The following is an entry in ClinVar:

NM_000090.4(COL3A1):c.691-27_691-8del

Gene: COL3A1 (collagen type III alpha 1 chain; plus strand). Cytogenetic location: 2q32.2.
Variant type: Deletion.
Coding change: c.691-27_691-8del on transcript NM_000090.4 (MANE Select); 27 bases into the intron before coding-DNA position 691 through 8 bases into the intron before coding-DNA position 691, 20 bases deleted (CTACGTATTCTTTATTTCTC).
Molecular consequence: intron variant.
Genome position (GRCh38, 1-based): chr2:188,990,069-188,990,088, CTACGTATTCTTTATTTCTC deleted; deleting any 20 consecutive bases within chr2:188,990,068-188,990,088 gives the same sequence; the c. name uses the placement nearest the transcript's 3' end. VCF-style (leftmost placement, unchanged base first): chr2-188990067-ACCTACGTATTCTTTATTTCT-A. GRCh37 (hg19) VCF-style: chr2-189854793-ACCTACGTATTCTTTATTTCT-A.
Identifiers: ClinVar variation 2010671 (VCV002010671.4), dbSNP rs2469117913, ClinGen allele CA2580065291.
Genomic context (GRCh38, chr2:188,990,067, plus strand): 5'-AGAAAAATGCAAAGTAACCATTTTGCTTATTGGCTACAATGTATTTTCTCATACATGAGC[ACCTACGTATTCTTTATTTCT>A]CTACCTAGGGAGAATCAGGTAGACCCGGACGACCTGGAGAGCGAGGATTGCCTGGACCTC-3'

ClinVar aggregate classification (germline): Uncertain significance (1 of 4 stars; one submission).

Conditions:
Ehlers-Danlos syndrome, type 4 (EDSVASC). Also called: Ehlers-Danlos syndrome vascular type; Ehlers Danlos syndrome, ecchymotic type; Ehlers Danlos syndrome, arterial type; Ehlers Danlos syndrome, Sack-Barabas type; Ehlers-Danlos Syndrome Type IV. Identifiers: Orphanet 286, MedGen C0268338, MONDO:0017314, OMIM 130050.

Submission:

Labcorp Genetics (formerly Invitae), Labcorp
Classification: Uncertain significance for Ehlers-Danlos syndrome, type 4. Last evaluated: 2022-06-25. Review status: criteria provided, single submitter. Criteria: Invitae Variant Classification Sherloc (09022015). Collection method: clinical testing. Allele origin: germline.
Comment: In summary, the available evidence is currently insufficient to determine the role of this variant in disease. Therefore, it has been classified as a Variant of Uncertain Significance. Algorithms developed to predict the effect of sequence changes on RNA splicing suggest that this variant may disrupt the consensus splice site. This variant has not been reported in the literature in individuals affected with COL3A1-related conditions. This variant is not present in population databases (gnomAD no frequency). This sequence change falls in intron 8 of the COL3A1 gene. It does not directly change the encoded amino acid sequence of the COL3A1 protein.